The following is an entry in ClinVar:

ClinVar aggregate classification (germline): Uncertain significance (1 of 4 stars; one submission).

Conditions:
Osteogenesis imperfecta type 8 (OI8). Identifiers: MedGen C1970458, MONDO:0012581, OMIM 610915.

gnomAD v4.1: 11 of 1,605,620 alleles (0.00069%); highest among the groups gnomAD compares: Non-Finnish European, 0.00094%; no homozygotes.

Submission:

Labcorp Genetics (formerly Invitae), Labcorp
Classification: Uncertain significance for Osteogenesis imperfecta type 8. Last evaluated: 2022-05-15. Review status: criteria provided, single submitter. Criteria: Invitae Variant Classification Sherloc (09022015). Collection method: clinical testing. Allele origin: germline.
Comment: This variant has not been reported in the literature in individuals affected with P3H1-related conditions. In summary, the available evidence is currently insufficient to determine the role of this variant in disease. Therefore, it has been classified as a Variant of Uncertain Significance. Algorithms developed to predict the effect of sequence changes on RNA splicing suggest that this variant may disrupt the consensus splice site. ClinVar contains an entry for this variant (Variation ID: 651495). This variant is not present in population databases (gnomAD no frequency). This sequence change falls in intron 11 of the P3H1 gene. It does not directly change the encoded amino acid sequence of the P3H1 protein.

NM_022356.4(P3H1):c.1721-5C>A

Gene: P3H1 (prolyl 3-hydroxylase 1; minus strand). Cytogenetic location: 1p34.2.
Variant type: single nucleotide variant.
Coding change: c.1721-5C>A on transcript NM_022356.4 (MANE Select); 5 bases into the intron before coding-DNA position 1721, C replaced by A.
Molecular consequence: intron variant.
Genome position (GRCh38, 1-based): chr1:42,748,322, G>T on the plus strand (C>A on the coding strand, the complement: P3H1 is on the minus strand). VCF-style: chr1-42748322-G-T. GRCh37 (hg19) VCF-style: chr1-43213993-G-T.
Other names: c.1721-5C>A (NM_001146289.2, NM_001243246.2).
Identifiers: ClinVar variation 651495 (VCV000651495.8), dbSNP rs1430349543, ClinGen allele CA915941222.